The following is an entry in ClinVar:

NM_004385.5(VCAN):c.8008T>C (p.Phe2670Leu)

Genes: VCAN (versican; plus strand), VCAN-AS1 (VCAN antisense RNA 1; minus strand). Cytogenetic location: 5q14.3.
Variant type: single nucleotide variant.
Coding change: c.8008T>C on transcript NM_004385.5 (MANE Select); coding-DNA position 8008, T replaced by C.
Protein change: p.Phe2670Leu; replaces phenylalanine 2670 with leucine.
Molecular consequence: missense variant. On other transcripts: intron variant (2).
Genome position (GRCh38, 1-based): chr5:83,541,011, T>C. VCF-style: chr5-83541011-T-C. GRCh37 (hg19) VCF-style: chr5-82836830-T-C.
Other names: c.5047T>C, p.Phe1683Leu (NM_001164097.2); c.4004-4526T>C (NM_001164098.2); c.1043-4526T>C (NM_001126336.3); short protein forms F1683L, F2670L.
Identifiers: ClinVar variation 1003185 (VCV001003185.8), dbSNP rs1746958893, ClinGen allele CA360316004.
Genomic context (GRCh38, chr5:83,541,011, plus strand): 5'-ACACATGATGAATCAATGACTTATGAAGATAGAAGCCAACTAGATCACATGGGCTTTCAC[T>C]TCACAACTGGGATCCCTGCTCCTAGCACAGAAACAGAATTAGACGTTTTACTTCCCACGG-3'
Protein context (NP_004376.2, residues 2660-2680): RSQLDHMGFH[Phe2670Leu]TTGIPAPSTE

ClinVar aggregate classification (germline): Uncertain significance (1 of 4 stars; one submission).

Allele frequency attached by ClinVar (database versions not stated): gnomAD exomes below 0.00001.
gnomAD v4.1: 3 of 1,614,094 alleles (0.00019%); highest among the groups gnomAD compares: Non-Finnish European, 0.00017%; no homozygotes.

Submission:

Labcorp Genetics (formerly Invitae), Labcorp
Classification: Uncertain significance. Last evaluated: 2020-10-01. Review status: criteria provided, single submitter. Criteria: Invitae Variant Classification Sherloc (09022015). Collection method: clinical testing. Allele origin: germline.
Comment: In summary, the available evidence is currently insufficient to determine the role of this variant in disease. Therefore, it has been classified as a Variant of Uncertain Significance. Algorithms developed to predict the effect of missense changes on protein structure and function output the following: SIFT: "Tolerated"; PolyPhen-2: "Benign"; Align-GVGD: "Class C0". The leucine amino acid residue is found in multiple mammalian species, suggesting that this missense change does not adversely affect protein function. These predictions have not been confirmed by published functional studies and their clinical significance is uncertain. This variant has not been reported in the literature in individuals with VCAN-related conditions. This variant is not present in population databases (ExAC no frequency). This sequence change replaces phenylalanine with leucine at codon 2670 of the VCAN protein (p.Phe2670Leu). The phenylalanine residue is highly conserved and there is a small physicochemical difference between phenylalanine and leucine.